The following is an entry in ClinVar:

NM_001130438.3(SPTAN1):c.4887C>T (p.Gly1629=)

Gene: SPTAN1 (spectrin alpha, non-erythrocytic 1; plus strand). Cytogenetic location: 9q34.11.
Variant type: single nucleotide variant.
Coding change: c.4887C>T on transcript NM_001130438.3 (MANE Select); coding-DNA position 4887, C replaced by T.
Protein change: p.Gly1629=; no amino-acid change (glycine 1629 retained).
Molecular consequence: synonymous variant.
Genome position (GRCh38, 1-based): chr9:128,611,827, C>T. VCF-style: chr9-128611827-C-T. GRCh37 (hg19) VCF-style: chr9-131374106-C-T.
Other names: c.4812C>T, p.Gly1604= (NM_001195532.2); c.4887C>T, p.Gly1629= (NM_001363759.2); c.4827C>T, p.Gly1609= (NM_001363765.2); c.4872C>T, p.Gly1624= (NM_003127.4).
Identifiers: ClinVar variation 387207 (VCV000387207.9), dbSNP rs1057522726, ClinGen allele CA16605526.

ClinVar aggregate classification (germline): Likely benign. Review status: criteria provided, multiple submitters, no conflicts (2 of 4 stars). 2 submissions from 2 submitters: Likely benign (2). Last evaluated 2024-02-20.

Conditions:
Early-infantile DEE. Also called: Ohtahara syndrome; Early infantile epileptic encephalopathy; Early infantile epileptic encephalopathy with suppression bursts. Identifiers: Orphanet 1934, MedGen C0393706, MONDO:0800491.

Submissions (2):

Labcorp Genetics (formerly Invitae), Labcorp
Classification: Likely benign for Early-infantile DEE. Last evaluated: 2024-02-20. Review status: criteria provided, single submitter. Criteria: Invitae Variant Classification Sherloc (09022015). Collection method: clinical testing. Allele origin: germline.

GeneDx
Classification: Likely benign. Last evaluated: 2016-06-29. Review status: criteria provided, single submitter. Criteria: GeneDx Variant Classification (06012015). Collection method: clinical testing. Allele origin: germline. Affected: yes.
Comment: This variant is considered likely benign or benign based on one or more of the following criteria: it is a conservative change, it occurs at a poorly conserved position in the protein, it is predicted to be benign by multiple in silico algorithms, and/or has population frequency not consistent with disease.